The following is an entry in ClinVar:

NM_001165963.4(SCN1A):c.5709_5711del (p.Tyr1903_Gln1904delinsTer)

Genes: SCN1A (sodium voltage-gated channel alpha subunit 1; minus strand), LOC102724058 (uncharacterized LOC102724058; plus strand). Cytogenetic location: 2q24.3.
Variant type: Deletion.
Coding change: c.5709_5711del on transcript NM_001165963.4 (MANE Select); coding-DNA positions 5709 to 5711, 3 bases deleted (TCA; older notation c.5709_5711delTCA).
Protein change: p.Tyr1903_Gln1904delinsTer.
Molecular consequence: nonsense. On other transcripts: non-coding transcript variant (1).
Genome position (GRCh38, 1-based): chr2:165,991,564-165,991,566, TGA deleted on the plus strand (TCA on the coding strand, the reverse complement: SCN1A is on the minus strand); deleting any 3 consecutive bases within chr2:165,991,564-165,991,567 gives the same sequence; the c. name uses the placement nearest the transcript's 3' end. VCF-style (leftmost placement, unchanged base first): chr2-165991563-CTGA-C. GRCh37 (hg19) VCF-style: chr2-166848073-CTGA-C.
Other names: c.5625_5627del, p.Tyr1875_Gln1876delinsTer (NM_001165964.3, NM_001353957.2, NM_001353958.2); c.5709_5711del, p.Tyr1903_Gln1904delinsTer (NM_001202435.3, NM_001353948.2); c.5676_5678del, p.Tyr1892_Gln1893delinsTer (NM_001353949.2, NM_001353950.2, NM_001353951.2 and 2 more transcripts); c.5673_5675del, p.Tyr1891_Gln1892delinsTer (NM_001353954.2, NM_001353955.2); c.5622_5624del, p.Tyr1874_Gln1875delinsTer (NM_001353960.2); c.3267_3269del, p.Tyr1089_Gln1090delinsTer (NM_001353961.2).
Identifiers: ClinVar variation 4713348 (VCV004713348.1).

ClinVar aggregate classification (germline): Pathogenic (1 of 4 stars; one submission).

Conditions:
Early-infantile DEE. Also called: Early infantile epileptic encephalopathy; Ohtahara syndrome; Early infantile epileptic encephalopathy with suppression bursts. Identifiers: Orphanet 1934, MedGen C0393706, MONDO:0800491.

Submission:

Labcorp Genetics (formerly Invitae), Labcorp
Classification: Pathogenic for Early-infantile DEE. Last evaluated: 2025-02-18. Review status: criteria provided, single submitter. Criteria: Invitae Variant Classification Sherloc (09022015). Collection method: clinical testing. Allele origin: germline.
Comment: This sequence change creates a premature translational stop signal (p.Tyr1903*) in the SCN1A gene. While this is not anticipated to result in nonsense mediated decay, it is expected to disrupt the last 107 amino acid(s) of the SCN1A protein. This variant is not present in population databases (gnomAD no frequency). This variant has not been reported in the literature in individuals affected with SCN1A-related conditions. This variant disrupts a region of the SCN1A protein in which other variant(s) (p.Arg1927_Arg1928delinsSerGly) have been determined to be pathogenic (internal data). This suggests that this is a clinically significant region of the protein, and that variants that disrupt it are likely to be disease-causing. For these reasons, this variant has been classified as Pathogenic.